The following is an entry in ClinVar:

ClinVar aggregate classification (germline): Likely benign. Review status: criteria provided, multiple submitters, no conflicts (2 of 4 stars). 4 submissions from 4 submitters: Likely benign (3). 1 of the submissions does not count toward it. Last evaluated 2025-06-11.

Conditions:
EP300-related disorder. Also called: EP300-related disorders; EP300-related condition.
Rubinstein-Taybi syndrome due to EP300 haploinsufficiency. Also called: EP300-Related Rubinstein-Taybi Syndrome; RUBINSTEIN-TAYBI SYNDROME 2. Identifiers: Orphanet 353284, Orphanet 783, MedGen C3150941, MONDO:0013364, OMIM 613684.

Allele frequency attached by ClinVar (database versions not stated): ExAC 0.00011; gnomAD exomes 0.00012 and 0.00025; TOPMed 0.00012; gnomAD 0.00015 and 0.00016; ESP Exome Variant Server 0.00023.
gnomAD v4.1: 386 of 1,614,180 alleles (0.024%); highest among the groups gnomAD compares: Non-Finnish European, 0.031%; no homozygotes.

Submissions (4):

Labcorp Genetics (formerly Invitae), Labcorp
Classification: Likely benign for Rubinstein-Taybi syndrome due to EP300 haploinsufficiency. Last evaluated: 2025-06-11. Review status: criteria provided, single submitter. Criteria: Invitae Variant Classification Sherloc (09022015). Collection method: clinical testing. Allele origin: germline.

Blueprint Genetics
Classification: Likely benign. Last evaluated: 2024-10-29. Review status: criteria provided, single submitter. Criteria: ACMG Guidelines, 2015. Collection method: clinical testing. Allele origin: germline.

GeneDx
Classification: Likely benign. Last evaluated: 2021-03-30. Review status: criteria provided, single submitter. Criteria: GeneDx Variant Classification Process June 2021. Collection method: clinical testing. Allele origin: germline. Affected: yes.

PreventionGenetics, part of Exact Sciences
Classification: Likely benign for EP300-related condition. Last evaluated: 2019-08-20. Review status: no assertion criteria provided. Collection method: clinical testing. Allele origin: germline. Not counted in ClinVar's aggregate classification.
Comment: This variant is classified as likely benign based on ACMG/AMP sequence variant interpretation guidelines (Richards et al. 2015 PMID: 25741868, with internal and published modifications).

NM_001429.4(EP300):c.6684G>A (p.Gln2228=)

Gene: EP300 (EP300 lysine acetyltransferase; plus strand). Cytogenetic location: 22q13.2.
Variant type: single nucleotide variant.
Coding change: c.6684G>A on transcript NM_001429.4 (MANE Select); coding-DNA position 6684, G replaced by A.
Protein change: p.Gln2228=; no amino-acid change (glutamine 2228 retained).
Molecular consequence: synonymous variant.
Genome position (GRCh38, 1-based): chr22:41,178,395, G>A. VCF-style: chr22-41178395-G-A. GRCh37 (hg19) VCF-style: chr22-41574399-G-A.
Other names: c.6606G>A, p.Gln2202= (NM_001362843.2).
Identifiers: ClinVar variation 1208206 (VCV001208206.11), dbSNP rs148504625, ClinGen allele CA10253925.